The following is an entry in ClinVar:

ClinVar aggregate classification (germline): Likely benign. Review status: criteria provided, multiple submitters, no conflicts (2 of 4 stars). 3 submissions from 3 submitters: Likely benign (3). Last evaluated 2024-01-17.

Conditions:
RASopathy. Also called: rasopathies; Noonan spectrum disorder. Identifiers: Orphanet 536391, MedGen C5555857, MONDO:0021060.

Allele frequency attached by ClinVar (database versions not stated): gnomAD exomes below 0.00001; gnomAD 0.00001; TOPMed 0.00002.
gnomAD v4.1: 5 of 1,597,268 alleles (0.00031%); highest among the groups gnomAD compares: Non-Finnish European, 0.00043%; no homozygotes.

Submissions (3):

Blueprint Genetics
Classification: Likely benign. Last evaluated: 2024-01-17. Review status: criteria provided, single submitter. Criteria: ACMG Guidelines, 2015. Collection method: clinical testing. Allele origin: germline.

Labcorp Genetics (formerly Invitae), Labcorp
Classification: Likely benign for RASopathy. Last evaluated: 2022-12-03. Review status: criteria provided, single submitter. Criteria: Invitae Variant Classification Sherloc (09022015). Collection method: clinical testing. Allele origin: germline.

GeneDx
Classification: Likely benign. Last evaluated: 2017-06-27. Review status: criteria provided, single submitter. Criteria: GeneDx Variant Classification (06012015). Collection method: clinical testing. Allele origin: germline. Affected: yes.
Comment: This variant is considered likely benign or benign based on one or more of the following criteria: it is a conservative change, it occurs at a poorly conserved position in the protein, it is predicted to be benign by multiple in silico algorithms, and/or has population frequency not consistent with disease.

NM_002880.4(RAF1):c.320+17C>A

Gene: RAF1 (Raf-1 proto-oncogene, serine/threonine kinase; minus strand). Cytogenetic location: 3p25.2.
Variant type: single nucleotide variant.
Coding change: c.320+17C>A on transcript NM_002880.4 (MANE Select); 17 bases into the intron after coding-DNA position 320, C replaced by A.
Molecular consequence: intron variant.
Genome position (GRCh38, 1-based): chr3:12,611,933, G>T on the plus strand (C>A on the coding strand, the complement: RAF1 is on the minus strand). VCF-style: chr3-12611933-G-T. GRCh37 (hg19) VCF-style: chr3-12653432-G-T.
Other names: c.78-2598C>A (NM_001354695.3, NM_001354692.3, NM_001354694.3 and 1 more transcripts); c.320+17C>A (NM_001354693.3, NM_001354689.3, NM_001354690.3).
Identifiers: ClinVar variation 510423 (VCV000510423.5), dbSNP rs897042666, ClinGen allele CA69624756.